The following is an entry in ClinVar:

ClinVar aggregate classification (germline): Uncertain significance. Review status: criteria provided, multiple submitters, no conflicts (2 of 4 stars). 2 submissions from 2 submitters: Uncertain significance (2). Last evaluated 2024-09-30.

Allele frequency attached by ClinVar (database versions not stated): gnomAD exomes 0.00001; gnomAD 0.00004; TOPMed 0.00013.
gnomAD v4.1: 23 of 1,613,960 alleles (0.0014%); highest among the groups gnomAD compares: Admixed American, 0.017%; no homozygotes.

Submissions (2):

Labcorp Genetics (formerly Invitae), Labcorp
Classification: Uncertain significance. Last evaluated: 2024-09-30. Review status: criteria provided, single submitter. Criteria: Invitae Variant Classification Sherloc (09022015). Collection method: clinical testing. Allele origin: germline.
Comment: This sequence change replaces asparagine, which is neutral and polar, with serine, which is neutral and polar, at codon 151 of the DMRT1 protein (p.Asn151Ser). This variant is present in population databases (no rsID available, gnomAD 0.003%). This variant has not been reported in the literature in individuals affected with DMRT1-related conditions. Invitae Evidence Modeling of protein sequence and biophysical properties (such as structural, functional, and spatial information, amino acid conservation, physicochemical variation, residue mobility, and thermodynamic stability) indicates that this missense variant is not expected to disrupt DMRT1 protein function with a negative predictive value of 80%. In summary, the available evidence is currently insufficient to determine the role of this variant in disease. Therefore, it has been classified as a Variant of Uncertain Significance.

Ambry Genetics
Classification: Uncertain significance. Last evaluated: 2024-01-09. Review status: criteria provided, single submitter. Criteria: Ambry Variant Classification Scheme 2023. Collection method: clinical testing. Allele origin: germline.

NM_021951.3(DMRT1):c.452A>G (p.Asn151Ser)

Gene: DMRT1 (doublesex and mab-3 related transcription factor 1; plus strand). Cytogenetic location: 9p24.3.
Variant type: single nucleotide variant.
Coding change: c.452A>G on transcript NM_021951.3 (MANE Select); coding-DNA position 452, A replaced by G.
Protein change: p.Asn151Ser; replaces asparagine 151 with serine.
Molecular consequence: missense variant. On other transcripts: 5 prime UTR variant (1).
Genome position (GRCh38, 1-based): chr9:847,057, A>G. VCF-style: chr9-847057-A-G. GRCh37 (hg19) VCF-style: chr9-847057-A-G.
Other names: c.-23A>G (NM_001363767.1); short protein forms N151S.
Identifiers: ClinVar variation 3083110 (VCV003083110.3), dbSNP rs1040884047, ClinGen allele CA187836074.